The following is an entry in ClinVar:

NM_000548.5(TSC2):c.5160+8G>C

Gene: TSC2 (TSC complex subunit 2; plus strand). Cytogenetic location: 16p13.3.
Variant type: single nucleotide variant.
Coding change: c.5160+8G>C on transcript NM_000548.5 (MANE Select); 8 bases into the intron after coding-DNA position 5160, G replaced by C.
Molecular consequence: intron variant.
Genome position (GRCh38, 1-based): chr16:2,088,147, G>C. VCF-style: chr16-2088147-G-C. GRCh37 (hg19) VCF-style: chr16-2138148-G-C.
Other names: c.4962+8G>C (NM_001363528.2); c.5028+8G>C (NM_001370404.1); c.4815+8G>C (NM_001318829.2); c.4992+8G>C (NM_001318832.2); c.4959+8G>C (NM_001077183.3); c.4851+8G>C (NM_001318827.2); c.4428+8G>C (NM_001318831.2); c.5091+8G>C (NM_001114382.3); and 1 more.
Identifiers: ClinVar variation 1082604 (VCV001082604.10), dbSNP rs2151624247, ClinGen allele CA2499223355.

ClinVar aggregate classification (germline): Likely benign. Review status: criteria provided, multiple submitters, no conflicts (2 of 4 stars). 2 submissions from 2 submitters: Likely benign (2). Last evaluated 2025-08-18.

Conditions:
Tuberous sclerosis 2 (TSC2). Identifiers: Orphanet 805, MedGen C1860707, MONDO:0013199, OMIM 613254.

Submissions (2):

Labcorp Genetics (formerly Invitae), Labcorp
Classification: Likely benign for Tuberous sclerosis 2. Last evaluated: 2025-08-18. Review status: criteria provided, single submitter. Criteria: Invitae Variant Classification Sherloc (09022015). Collection method: clinical testing. Allele origin: germline.

Myriad Genetics, Inc.
Classification: Likely benign for Tuberous sclerosis 2. Last evaluated: 2025-06-06. Review status: criteria provided, single submitter. Criteria: Myriad Autosomal Dominant, Autosomal Recessive and X-Linked Classification Criteria (2023). Collection method: clinical testing. Allele origin: unknown.
Comment: This variant is considered likely benign. This variant is intronic and is not expected to impact mRNA splicing.